The following continues an entry in ClinVar:

NM_000051.4(ATM):c.1541G>A (p.Gly514Asp)

Gene: ATM. ClinVar aggregate classification (germline): Benign/Likely benign. Benign (19); Likely benign (2).

Submissions 26 to 29 of 29:

Department of Pathology and Laboratory Medicine, Sinai Health System
Classification: Benign for Malignant tumor of breast. Review status: no assertion criteria provided. Collection method: clinical testing. Allele origin: unknown. Affected: yes. Study: The Canadian Open Genetics Repository (COGR). Not counted in ClinVar's aggregate classification.
Comment: The ATM p.Gly514Asp variant was identified in 4 of 4396 proband chromosomes (frequency: 0.0009) from individuals or families with hereditary breast and ovarian cancer and was present in 6 of 2399 control chromosomes (frequency: 0.0025) from healthy individuals (Tavtigian 2009, Teraoka 2001, Thorstenson 2001). The variant was also identified in dbSNP (ID: rs2235000) as â€šÃ„Ãºwith other alleleâ€šÃ„Ã¹. The variant was not identified in ClinVar, Clinvitae, Cosmic, MutDB, LOVD 3.0, or ATM-LOVD databases. The variant was identified in control databases in 1603 of 277074 chromosomes (41 homozygous) at a frequency of 0.005785 increasing the likelihood this could be a low frequency benign variant (Genome Aggregation Database Feb 27, 2017). Breakdown of the observations by population include African in 1456 (41 homozygous) of 24022 chromosomes (freq: 0.06061), Other in 20 of 6458 chromosomes (freq: 0.003097), Latino in 101 of 34412 chromosomes (freq: 0.002935), European (Non-Finnish) in 18 of 126604 chromosomes (freq: 0.000142), and SouthA sian in 8 of 30780 chromosomes (freq: 0.00026). while the variant was not observed in the Ashkenazi Jewish, East Asian, European (Finnish) populations. The p.Gly514Asp residue is conserved in mammals and computational analyses (PolyPhen-2, SIFT, AlignGVGD, BLOSUM, MutationTaster) provide inconsistent predictions regarding the impact to the protein; this information is not very predictive of pathogenicity. The variant occurs outside of the splicing consensus sequence and in silico or computational prediction software programs (SpliceSiteFinder, MaxEntScan, NNSPLICE, GeneSplicer, HumanSpliceFinder) do not predict a difference in splicing. In summary, based on the above information this variant meets our laboratory's criteria to be classified as benign.

Genome Diagnostics Laboratory, University Medical Center Utrecht
Classification: Likely benign. Review status: no assertion criteria provided. Collection method: clinical testing. Allele origin: germline. Affected: yes. Study: VKGL Data-share Consensus. Not counted in ClinVar's aggregate classification.

Joint Genome Diagnostic Labs from Nijmegen and Maastricht, Radboudumc and MUMC+
Classification: Benign. Review status: no assertion criteria provided. Collection method: clinical testing. Allele origin: germline. Affected: yes. Study: VKGL Data-share Consensus. Not counted in ClinVar's aggregate classification.

Laboratory of Diagnostic Genome Analysis, Leiden University Medical Center (LUMC)
Classification: Likely benign. Review status: no assertion criteria provided. Collection method: clinical testing. Allele origin: germline. Affected: yes. Study: VKGL Data-share Consensus. Not counted in ClinVar's aggregate classification.

Literature cited by the submitters: PubMed 24728327 (cited by Athena Diagnostics and ITMI); PubMed 27016235 (cited by Athena Diagnostics); PubMed 22529920 (cited by Athena Diagnostics); PubMed 11505391 (cited by Athena Diagnostics); PubMed 20981092 (cited by Athena Diagnostics); PubMed 22995991 (cited by Athena Diagnostics); PubMed 11443540 (cited by Athena Diagnostics and Illumina Laboratory Services, Illumina); PubMed 12473594 (cited by Athena Diagnostics and Illumina Laboratory Services, Illumina); PubMed 9711876 (cited by Athena Diagnostics); PubMed 25085752 (cited by Myriad Genetics, Inc.).